The following is an entry in ClinVar:

NM_000245.4(MET):c.1877T>C (p.Val626Ala)

Gene: MET (MET proto-oncogene, receptor tyrosine kinase; plus strand). Cytogenetic location: 7q31.2.
Variant type: single nucleotide variant.
Coding change: c.1877T>C on transcript NM_000245.4 (MANE Select); coding-DNA position 1877, T replaced by C.
Protein change: p.Val626Ala; replaces valine 626 with alanine.
Molecular consequence: missense variant.
Genome position (GRCh38, 1-based): chr7:116,757,451, T>C. VCF-style: chr7-116757451-T-C. GRCh37 (hg19) VCF-style: chr7-116397505-T-C.
Other names: c.1877T>C, p.Val626Ala (NM_001127500.3, NM_001324401.3); c.587T>C, p.Val196Ala (NM_001324402.2); short protein forms V196A, V626A.
Identifiers: ClinVar variation 1719749 (VCV001719749.5), dbSNP rs2116919907, ClinGen allele CA368979244.

ClinVar aggregate classification (germline): Uncertain significance (1 of 4 stars; one submission).

Conditions:
Renal cell carcinoma. Identifiers: Orphanet 217071, MedGen C0007134, MeSH D002292, MONDO:0005086, HP:0005584.

Submission:

Labcorp Genetics (formerly Invitae), Labcorp
Classification: Uncertain significance for Renal cell carcinoma. Last evaluated: 2022-09-20. Review status: criteria provided, single submitter. Criteria: Invitae Variant Classification Sherloc (09022015). Collection method: clinical testing. Allele origin: germline.
Comment: In summary, the available evidence is currently insufficient to determine the role of this variant in disease. Therefore, it has been classified as a Variant of Uncertain Significance. Advanced modeling of protein sequence and biophysical properties (such as structural, functional, and spatial information, amino acid conservation, physicochemical variation, residue mobility, and thermodynamic stability) performed at Invitae indicates that this missense variant is not expected to disrupt MET protein function. This variant has not been reported in the literature in individuals affected with MET-related conditions. This variant is not present in population databases (gnomAD no frequency). This sequence change replaces valine, which is neutral and non-polar, with alanine, which is neutral and non-polar, at codon 626 of the MET protein (p.Val626Ala).